The following is an entry in ClinVar:

ClinVar aggregate classification (germline): Uncertain significance (1 of 4 stars; one submission).

Conditions:
ABCC2-related disorder. Also called: ABCC2-related condition.

Allele frequency attached by ClinVar (database versions not stated): ExAC 0.00006; gnomAD exomes 0.00017.
gnomAD v4.1: 244 of 1,613,784 alleles (0.015%); highest among the groups gnomAD compares: Non-Finnish European, 0.019%; no homozygotes.

Submission:

PreventionGenetics, part of Exact Sciences
Classification: Uncertain significance for ABCC2-related condition. Last evaluated: 2023-04-11. Review status: criteria provided, single submitter. Criteria: ACMG Guidelines, 2015. Collection method: clinical testing. Allele origin: germline.
Comment: The ABCC2 c.2380C>T variant is predicted to result in the amino acid substitution p.His794Tyr. To our knowledge, this variant has not been reported in the literature. This variant is reported in 0.013% of alleles in individuals of European (Non-Finnish) descent in gnomAD. Although we suspect that this variant may be benign, at this time, the clinical significance of this variant is uncertain due to the absence of conclusive functional and genetic evidence.

NM_000392.5(ABCC2):c.2380C>T (p.His794Tyr)

Gene: ABCC2 (ATP binding cassette subfamily C member 2; plus strand). Cytogenetic location: 10q24.2.
Variant type: single nucleotide variant.
Coding change: c.2380C>T on transcript NM_000392.5 (MANE Select); coding-DNA position 2380, C replaced by T.
Protein change: p.His794Tyr; replaces histidine 794 with tyrosine.
Molecular consequence: missense variant.
Genome position (GRCh38, 1-based): chr10:99,818,898, C>T. VCF-style: chr10-99818898-C-T. GRCh37 (hg19) VCF-style: chr10-101578655-C-T.
Other names: short protein forms H794Y.
Identifiers: ClinVar variation 2636110 (VCV002636110.1), dbSNP rs201303732, ClinGen allele CA5643464.